The following is an entry in ClinVar:

ClinVar aggregate classification (germline): Benign/Likely benign. Review status: criteria provided, multiple submitters, no conflicts (2 of 4 stars). 5 submissions from 5 submitters: Benign (2); Likely benign (3). Last evaluated 2026-01-31.

Conditions:
Autosomal dominant optic atrophy classic form (OPA1). Also called: KJER-TYPE OPTIC ATROPHY; Optic Atrophy Type 1; OPTIC ATROPHY, JUVENILE. Identifiers: Orphanet 98673, MedGen C0338508, MONDO:0008134, OMIM 165500.

Allele frequency attached by ClinVar (database versions not stated): 1000 Genomes Project 30x 0.00016; 1000 Genomes Project 0.00020; gnomAD exomes 0.00047 and 0.00065; gnomAD 0.00048 and 0.00050; TOPMed 0.00050; ExAC 0.00056; ESP Exome Variant Server 0.00077.
gnomAD v4.1: 1,014 of 1,609,126 alleles (0.063%); highest among the groups gnomAD compares: Non-Finnish European, 0.08%; 1 homozygote.

Submissions (5):

Labcorp Genetics (formerly Invitae), Labcorp
Classification: Likely benign. Last evaluated: 2026-01-31. Review status: criteria provided, single submitter. Criteria: Invitae Variant Classification Sherloc (09022015). Collection method: clinical testing. Allele origin: germline.

CeGaT Center for Human Genetics Tuebingen
Classification: Likely benign. Last evaluated: 2025-08-01. Review status: criteria provided, single submitter. Criteria: CeGaT Center For Human Genetics Tuebingen Variant Classification Criteria Version 2. Collection method: clinical testing. Allele origin: germline. Affected: yes. Observed: 9 variant alleles.
Comment: OPA1: BP4, BP7

Blueprint Genetics
Classification: Likely benign. Last evaluated: 2024-11-14. Review status: criteria provided, single submitter. Criteria: ACMG Guidelines, 2015. Collection method: clinical testing. Allele origin: germline.

Illumina Laboratory Services, Illumina
Classification: Benign for Autosomal dominant optic atrophy classic form. Last evaluated: 2018-01-13. Review status: criteria provided, single submitter. Criteria: ICSL Variant Classification Criteria 13 December 2019. Collection method: clinical testing. Allele origin: germline.
Comment: This variant was observed in the ICSL laboratory as part of a predisposition screen in an ostensibly healthy population. It had not been previously curated by ICSL or reported in the Human Gene Mutation Database (HGMD: prior to June 1st, 2018), and was therefore a candidate for classification through an automated scoring system. Utilizing variant allele frequency, disease prevalence and penetrance estimates, and inheritance mode, an automated score was calculated to assess if this variant is too frequent to cause the disease. Based on the score and internal cut-off values, a variant classified as benign is not then subjected to further curation. The score for this variant resulted in a classification of benign for this disease.

GeneDx
Classification: Benign. Last evaluated: 2014-09-05. Review status: criteria provided, single submitter. Criteria: GeneDx Variant Classification (06012015). Collection method: clinical testing. Allele origin: germline. Affected: yes.
Comment: This variant is considered likely benign or benign based on one or more of the following criteria: it is a conservative change, it occurs at a poorly conserved position in the protein, it is predicted to be benign by multiple in silico algorithms, and/or has population frequency not consistent with disease.

NM_130837.3(OPA1):c.1302T>G (p.Pro434=)

Gene: OPA1 (OPA1 mitochondrial dynamin like GTPase; plus strand). Cytogenetic location: 3q29.
Variant type: single nucleotide variant.
Coding change: c.1302T>G on transcript NM_130837.3 (MANE Select); coding-DNA position 1302, T replaced by G.
Protein change: p.Pro434=; no amino-acid change (proline 434 retained).
Molecular consequence: synonymous variant.
Genome position (GRCh38, 1-based): chr3:193,643,046, T>G. VCF-style: chr3-193643046-T-G. GRCh37 (hg19) VCF-style: chr3-193360835-T-G.
Other names: c.768T>G, p.Pro256= (NM_001354663.2); c.765T>G, p.Pro255= (NM_001354664.2); c.1137T>G, p.Pro379= (NM_015560.3); c.1029T>G, p.Pro343= (NM_130831.3); c.1083T>G, p.Pro361= (NM_130832.3); c.1140T>G, p.Pro380= (NM_130833.3); c.1191T>G, p.Pro397= (NM_130834.3); c.1194T>G, p.Pro398= (NM_130835.3); and 1 more.
Identifiers: ClinVar variation 214891 (VCV000214891.51), dbSNP rs139861334, ClinGen allele CA324994.